The following is an entry in ClinVar:

NM_014317.5(PDSS1):c.511A>G (p.Met171Val)

Gene: PDSS1 (decaprenyl diphosphate synthase subunit 1; plus strand). Cytogenetic location: 10p12.1.
Variant type: single nucleotide variant.
Coding change: c.511A>G on transcript NM_014317.5 (MANE Select); coding-DNA position 511, A replaced by G.
Protein change: p.Met171Val; replaces methionine 171 with valine.
Molecular consequence: missense variant. On other transcripts: initiator codon variant (1).
Genome position (GRCh38, 1-based): chr10:26,720,261, A>G. VCF-style: chr10-26720261-A-G. GRCh37 (hg19) VCF-style: chr10-27009190-A-G.
Other names: c.511A>G, p.Met171Val (NM_001321978.2); c.1A>G, p.Met1Val (NM_001321979.2); short protein forms M171V, M1V.
Identifiers: ClinVar variation 1306684 (VCV001306684.3), dbSNP rs1835740442, ClinGen allele CA376346073.

ClinVar aggregate classification (germline): Uncertain significance (1 of 4 stars; one submission).

Allele frequency attached by ClinVar (database versions not stated): TOPMed below 0.00001.

Submission:

GeneDx
Classification: Uncertain significance. Last evaluated: 2020-02-04. Review status: criteria provided, single submitter. Criteria: GeneDx Variant Classification Process June 2021. Collection method: clinical testing. Allele origin: germline. Affected: yes.
Comment: Not observed in large population cohorts (Lek et al., 2016); In silico analysis supports that this missense variant has a deleterious effect on protein structure/function; Has not been previously published as pathogenic or benign to our knowledge